The following is an entry in ClinVar:

ClinVar aggregate classification (germline): Uncertain significance (1 of 4 stars; one submission).

Allele frequency attached by ClinVar (database versions not stated): gnomAD exomes below 0.00001.
gnomAD v4.1: 4 of 1,614,194 alleles (0.00025%); highest among the groups gnomAD compares: Non-Finnish European, 0.00034%; no homozygotes.

Submission:

Labcorp Genetics (formerly Invitae), Labcorp
Classification: Uncertain significance. Last evaluated: 2021-03-23. Review status: criteria provided, single submitter. Criteria: Invitae Variant Classification Sherloc (09022015). Collection method: clinical testing. Allele origin: germline.
Comment: In summary, the available evidence is currently insufficient to determine the role of this variant in disease. Therefore, it has been classified as a Variant of Uncertain Significance. Algorithms developed to predict the effect of sequence changes on RNA splicing suggest that this variant may disrupt the consensus splice site, but this prediction has not been confirmed by published transcriptional studies. This variant has not been reported in the literature in individuals with ARHGEF10-related conditions. This variant is not present in population databases (ExAC no frequency). This sequence change falls in intron 16 of the ARHGEF10 gene. It does not directly change the encoded amino acid sequence of the ARHGEF10 protein.

NM_014629.4(ARHGEF10):c.1822-5T>A

Gene: ARHGEF10 (Rho guanine nucleotide exchange factor 10; plus strand). Cytogenetic location: 8p23.3.
Variant type: single nucleotide variant.
Coding change: c.1822-5T>A on transcript NM_014629.4 (MANE Select); 5 bases into the intron before coding-DNA position 1822, T replaced by A.
Molecular consequence: intron variant.
Genome position (GRCh38, 1-based): chr8:1,905,566, T>A. VCF-style: chr8-1905566-T-A. GRCh37 (hg19) VCF-style: chr8-1853732-T-A.
Other names: c.1705-5T>A (NM_001438092.1, NM_001438093.1); c.1825-5T>A (NM_001438091.1); c.1708-5T>A (NM_001308152.2, NM_001438094.1); c.1822-5T>A (NM_001308153.3).
Identifiers: ClinVar variation 1518455 (VCV001518455.8), dbSNP rs980817316, ClinGen allele CA2573142549.